The following is an entry in ClinVar:

NM_001378457.1(DMXL2):c.7388C>A (p.Ala2463Glu)

Gene: DMXL2 (Dmx like 2; minus strand). Cytogenetic location: 15q21.2.
Variant type: single nucleotide variant.
Coding change: c.7388C>A on transcript NM_001378457.1 (MANE Select); coding-DNA position 7388, C replaced by A.
Protein change: p.Ala2463Glu; replaces alanine 2463 with glutamic acid.
Molecular consequence: missense variant. On other transcripts: non-coding transcript variant (2).
Genome position (GRCh38, 1-based): chr15:51,471,227, G>T on the plus strand (C>A on the coding strand, the complement: DMXL2 is on the minus strand). VCF-style: chr15-51471227-G-T. GRCh37 (hg19) VCF-style: chr15-51763424-G-T.
Other names: c.7388C>A, p.Ala2463Glu (NM_001174116.3, NM_001378459.1, NM_001378461.1 and 1 more transcripts); c.5477C>A, p.Ala1826Glu (NM_001174117.3); c.7385C>A, p.Ala2462Glu (NM_001378458.1, NM_001378462.1, NM_015263.5); c.5366C>A, p.Ala1789Glu (NM_001378460.1); c.7145C>A, p.Ala2382Glu (NM_001378464.1); c.7388C>A (NM_001174116.1); short protein forms A2382E, A2463E, A1789E, A2462E, A1826E.
Identifiers: ClinVar variation 2126081 (VCV002126081.5), dbSNP rs147462209, ClinGen allele CA7561348.

ClinVar aggregate classification (germline): Uncertain significance. Review status: criteria provided, multiple submitters, no conflicts (2 of 4 stars). 2 submissions from 2 submitters: Uncertain significance (2). Last evaluated 2026-05-23.

Conditions:
Inborn genetic diseases. Identifiers: MedGen C0950123, MeSH D030342.

Allele frequency attached by ClinVar (database versions not stated): TOPMed below 0.00001; ExAC 0.00001; ESP Exome Variant Server 0.00008; gnomAD 0.00001; gnomAD exomes 0.00001.
gnomAD v4.1: 15 of 1,613,184 alleles (0.00093%); highest among the groups gnomAD compares: Non-Finnish European, 0.0013%; no homozygotes.

Submissions (2):

Ambry Genetics
Classification: Uncertain significance for Inborn genetic diseases. Last evaluated: 2026-05-23. Review status: criteria provided, single submitter. Criteria: Ambry Variant Classification Scheme 2023. Collection method: clinical testing. Allele origin: germline.
Comment: The c.7388C>A (p.A2463E) alteration is located in exon 29 (coding exon 29) of the DMXL2 gene. This alteration results from a C to A substitution at nucleotide position 7388, causing the alanine (A) at amino acid position 2463 to be replaced by a glutamic acid (E). Based on data from gnomAD, the A allele has an overall frequency of 0.001% (2/250872) total alleles studied. The highest observed frequency was 0.002% (2/113478) of European (non-Finnish) alleles. Based on insufficient or conflicting evidence, the clinical significance of this alteration remains unclear.

Labcorp Genetics (formerly Invitae), Labcorp
Classification: Uncertain significance. Last evaluated: 2024-02-05. Review status: criteria provided, single submitter. Criteria: Invitae Variant Classification Sherloc (09022015). Collection method: clinical testing. Allele origin: germline.
Comment: This sequence change replaces alanine, which is neutral and non-polar, with glutamic acid, which is acidic and polar, at codon 2463 of the DMXL2 protein (p.Ala2463Glu). This variant is present in population databases (rs147462209, gnomAD 0.0009%). This variant has not been reported in the literature in individuals affected with DMXL2-related conditions. ClinVar contains an entry for this variant (Variation ID: 2126081). An algorithm developed to predict the effect of missense changes on protein structure and function (PolyPhen-2) suggests that this variant is likely to be disruptive. In summary, the available evidence is currently insufficient to determine the role of this variant in disease. Therefore, it has been classified as a Variant of Uncertain Significance.